The following is an entry in ClinVar:

ClinVar aggregate classification (germline): Uncertain significance (1 of 4 stars; one submission).

Conditions:
Adams-Oliver syndrome 5 (AOS5). Identifiers: Orphanet 974, MedGen C4014970, MONDO:0014459, OMIM 616028.

gnomAD v4.1: 1 of 1,612,874 alleles (0.000062%); no homozygotes.

Submission:

Labcorp Genetics (formerly Invitae), Labcorp
Classification: Uncertain significance for Adams-Oliver syndrome 5. Last evaluated: 2025-09-24. Review status: criteria provided, single submitter. Criteria: Invitae Variant Classification Sherloc (09022015). Collection method: clinical testing. Allele origin: germline.
Comment: This sequence change replaces glutamine, which is neutral and polar, with arginine, which is basic and polar, at codon 1492 of the NOTCH1 protein (p.Gln1492Arg). This variant is not present in population databases (gnomAD no frequency). This variant has not been reported in the literature in individuals affected with NOTCH1-related conditions. Invitae Evidence Modeling of protein sequence and biophysical properties (such as structural, functional, and spatial information, amino acid conservation, physicochemical variation, residue mobility, and thermodynamic stability) indicates that this missense variant is not expected to disrupt NOTCH1 protein function with a negative predictive value of 80%. In summary, the available evidence is currently insufficient to determine the role of this variant in disease. Therefore, it has been classified as a Variant of Uncertain Significance.

NM_017617.5(NOTCH1):c.4475A>G (p.Gln1492Arg)

Gene: NOTCH1 (notch receptor 1; minus strand). Cytogenetic location: 9q34.3.
Variant type: single nucleotide variant.
Coding change: c.4475A>G on transcript NM_017617.5 (MANE Select); coding-DNA position 4475, A replaced by G.
Protein change: p.Gln1492Arg; replaces glutamine 1492 with arginine.
Molecular consequence: missense variant.
Genome position (GRCh38, 1-based): chr9:136,505,421, T>C on the plus strand (A>G on the coding strand, the complement: NOTCH1 is on the minus strand). VCF-style: chr9-136505421-T-C. GRCh37 (hg19) VCF-style: chr9-139399873-T-C.
Other names: short protein forms Q1492R.
Identifiers: ClinVar variation 4743200 (VCV004743200.1).
Genomic context (GRCh38, chr9:136,505,421, plus strand): 5'-GCTGAGTTGCACTGGCTGTCACAGTGGCCGTCACTGAAGTACTTCCAGCACTGCAGAGAC[T>C]GCGTGCAGTTCTTCCAGGGGTCATTGAAGTTGAGGGAGCAGTCACCGCCGTCCCAGCCGC-3'
Protein context (NP_060087.3, residues 1482-1502): NFNDPWKNCT[Gln1492Arg]SLQCWKYFSD